The following is an entry in ClinVar:

NM_020433.5(JPH2):c.62G>A (p.Gly21Glu)

Gene: JPH2 (junctophilin 2; minus strand). Cytogenetic location: 20q13.12.
Variant type: single nucleotide variant.
Coding change: c.62G>A on transcript NM_020433.5 (MANE Select); coding-DNA position 62, G replaced by A.
Protein change: p.Gly21Glu; replaces glycine 21 with glutamic acid.
Molecular consequence: missense variant.
Genome position (GRCh38, 1-based): chr20:44,186,644, C>T on the plus strand (G>A on the coding strand, the complement: JPH2 is on the minus strand). VCF-style: chr20-44186644-C-T. GRCh37 (hg19) VCF-style: chr20-42815284-C-T.
Other names: c.62G>A, p.Gly21Glu (NM_175913.4); short protein forms G21E.
Identifiers: ClinVar variation 1034601 (VCV001034601.8), dbSNP rs2072847837, ClinGen allele CA409095615.

ClinVar aggregate classification (germline): Uncertain significance (1 of 4 stars; one submission).

Conditions:
Hypertrophic cardiomyopathy. Also called: HYPERTROPHIC MYOCARDIOPATHY. Identifiers: Orphanet 217569, MedGen C0007194, MeSH D002312, MONDO:0005045, HP:0001639.

Allele frequency attached by ClinVar (database versions not stated): gnomAD exomes below 0.00001.
gnomAD v4.1: 1 of 1,587,678 alleles (0.000063%); highest among the groups gnomAD compares: Non-Finnish European, 0.000086%; no homozygotes.

Submission:

Labcorp Genetics (formerly Invitae), Labcorp
Classification: Uncertain significance for Hypertrophic cardiomyopathy. Last evaluated: 2020-09-17. Review status: criteria provided, single submitter. Criteria: Invitae Variant Classification Sherloc (09022015). Collection method: clinical testing. Allele origin: germline.
Comment: In summary, the available evidence is currently insufficient to determine the role of this variant in disease. Therefore, it has been classified as a Variant of Uncertain Significance. This sequence change replaces glycine with glutamic acid at codon 21 of the JPH2 protein (p.Gly21Glu). The glycine residue is highly conserved and there is a moderate physicochemical difference between glycine and glutamic acid. This variant is not present in population databases (ExAC no frequency). This variant has not been reported in the literature in individuals with JPH2-related conditions. Algorithms developed to predict the effect of missense changes on protein structure and function (SIFT, PolyPhen-2, Align-GVGD) all suggest that this variant is likely to be disruptive, but these predictions have not been confirmed by published functional studies and their clinical significance is uncertain.